The following is an entry in ClinVar:

ClinVar aggregate classification (germline): Uncertain significance. Review status: criteria provided, multiple submitters, no conflicts (2 of 4 stars). 5 submissions from 5 submitters: Uncertain significance (5). Last evaluated 2025-04-10.

Conditions:
Hereditary breast ovarian cancer syndrome. Also called: Hereditary breast and ovarian cancer syndrome (HBOC); Hereditary breast and/or ovarian cancer syndrome; Breast and ovarian cancer; Hereditary breast and ovarian cancer syndrome; BRCA1- and BRCA2-Associated Hereditary Breast and Ovarian Cancer; Hereditary breast and ovarian cancer. Identifiers: Orphanet 145, MedGen C0677776, MeSH D061325, MONDO:0003582. Disease mechanism: loss of function.
Breast-ovarian cancer, familial, susceptibility to, 2 (BROVCA2). Also called: BRCA2 Hereditary Breast and Ovarian Cancer. Identifiers: Orphanet 145, MedGen C2675520, MONDO:0012933, OMIM 612555. Disease mechanism: loss of function.
Hereditary cancer-predisposing syndrome. Also called: Neoplastic Syndromes, Hereditary; Hereditary Cancer Syndrome; Hereditary neoplastic syndrome; Tumor predisposition. Identifiers: Orphanet 140162, MedGen C0027672, MeSH D009386, MONDO:0015356.

Allele frequency attached by ClinVar (database versions not stated): gnomAD exomes below 0.00001.
gnomAD v4.1: 1 of 1,612,400 alleles (0.000062%); highest among the groups gnomAD compares: Non-Finnish European, 0.000085%; no homozygotes.

Submissions (5):

GeneDx
Classification: Uncertain significance. Last evaluated: 2025-04-10. Review status: criteria provided, single submitter. Criteria: GeneDx Variant Classification Process June 2021. Collection method: clinical testing. Allele origin: germline. Affected: yes.
Comment: Not observed at significant frequency in large population cohorts (gnomAD); In silico analysis indicates that this missense variant does not alter protein structure/function; Has not been previously published as pathogenic or benign to our knowledge; Also known as 754A>T; This variant is associated with the following publications: (PMID: 30233647, 29884841, 32377563)

Color Diagnostics, LLC DBA Color Health
Classification: Uncertain significance for Hereditary cancer-predisposing syndrome. Last evaluated: 2025-01-21. Review status: criteria provided, single submitter. Criteria: ACMG Guidelines, 2015. Collection method: clinical testing. Allele origin: germline.
Comment: This missense variant replaces threonine with serine at codon 176 of the BRCA2 protein. Computational prediction suggests that this variant may not impact protein structure and function. To our knowledge, functional studies have not been reported for this variant. This variant has been reported in a suspected hereditary breast and ovarian cancer family (PMID: 23231788). This variant has not been identified in the general population by the Genome Aggregation Database (gnomAD). The available evidence is insufficient to determine the role of this variant in disease conclusively. Therefore, this variant is classified as a Variant of Uncertain Significance.

Ambry Genetics
Classification: Uncertain significance for Hereditary cancer-predisposing syndrome. Last evaluated: 2024-10-07. Review status: criteria provided, single submitter. Criteria: Ambry Variant Classification Scheme 2023. Collection method: clinical testing. Allele origin: germline.
Comment: The p.T176S variant (also known as c.526A>T), located in coding exon 6 of the BRCA2 gene, results from an A to T substitution at nucleotide position 526. The threonine at codon 176 is replaced by serine, an amino acid with similar properties. This amino acid position is highly conserved in available vertebrate species. In addition, this alteration is predicted to be tolerated by in silico analysis. Based on the available evidence, the clinical significance of this variant remains unclear.

Labcorp Genetics (formerly Invitae), Labcorp
Classification: Uncertain significance for Hereditary breast ovarian cancer syndrome. Last evaluated: 2024-09-12. Review status: criteria provided, single submitter. Criteria: Invitae Variant Classification Sherloc (09022015). Collection method: clinical testing. Allele origin: germline.
Comment: This sequence change replaces threonine, which is neutral and polar, with serine, which is neutral and polar, at codon 176 of the BRCA2 protein (p.Thr176Ser). This variant is not present in population databases (gnomAD no frequency). This missense change has been observed in individual(s) with clinical features of BRCA2-related conditions (PMID: 21520333). ClinVar contains an entry for this variant (Variation ID: 851261). Invitae Evidence Modeling of protein sequence and biophysical properties (such as structural, functional, and spatial information, amino acid conservation, physicochemical variation, residue mobility, and thermodynamic stability) indicates that this missense variant is not expected to disrupt BRCA2 protein function with a negative predictive value of 95%. In summary, the available evidence is currently insufficient to determine the role of this variant in disease. Therefore, it has been classified as a Variant of Uncertain Significance.

Liquid Biopsy and Cancer Interception Group, Pfizer-University of Granada-Junta de Andalucía Centre for Genomics and Oncological Research
Classification: Uncertain significance for Breast-ovarian cancer, familial, susceptibility to, 2. Review status: criteria provided, single submitter. Criteria: ACMG Guidelines, 2015. Collection method: clinical testing. Allele origin: germline. Affected: yes. Observed: 3 variant alleles. Clinical features observed: Invasive ductal carcinoma.

Literature cited by the submitters: PubMed 23231788 (cited by Color Diagnostics, LLC DBA Color Health); PubMed 21520333 (cited by Labcorp Genetics (formerly Invitae), Labcorp).

NM_000059.4(BRCA2):c.526A>T (p.Thr176Ser)

Gene: BRCA2 (BRCA2 DNA repair associated; plus strand). Cytogenetic location: 13q13.1.
Variant type: single nucleotide variant.
Coding change: c.526A>T on transcript NM_000059.4 (MANE Select); coding-DNA position 526, A replaced by T.
Protein change: p.Thr176Ser; replaces threonine 176 with serine.
Molecular consequence: missense variant.
Genome position (GRCh38, 1-based): chr13:32,326,508, A>T. VCF-style: chr13-32326508-A-T. GRCh37 (hg19) VCF-style: chr13-32900645-A-T.
Other names: short protein forms T176S.
Identifiers: ClinVar variation 851261 (VCV000851261.21), dbSNP rs1214427273, ClinGen allele CA387757802.
Genomic context (GRCh38, chr13:32,326,508, plus strand): 5'-TTAATGATCAGGGCATTTCTATAAAAAATAAACTATTTTCTTTCCTCCCAGGGTCGTCAG[A>T]CACCAAAACATATTTCTGAAAGTCTAGGAGCTGAGGTGGATCCTGATATGTCTTGGTCAA-3'
Protein context (NP_000050.3, residues 166-186): HTPKFVKGRQ[Thr176Ser]PKHISESLGA